The following is an entry in ClinVar:

ClinVar aggregate classification (germline): Likely pathogenic (1 of 4 stars; one submission).

Allele frequency attached by ClinVar (database versions not stated): TOPMed below 0.00001; gnomAD 0.00001.
gnomAD v4.1: 4 of 1,600,344 alleles (0.00025%); highest among the groups gnomAD compares: East Asian, 0.0022%; no homozygotes.

Submission:

CeGaT Center for Human Genetics Tuebingen
Classification: Likely pathogenic. Last evaluated: 2024-03-01. Review status: criteria provided, single submitter. Criteria: CeGaT Center For Human Genetics Tuebingen Variant Classification Criteria Version 2. Collection method: clinical testing. Allele origin: germline. Affected: yes. Observed: 1 variant allele.
Comment: RERE: PVS1:Strong, PM2

NM_001042681.2(RERE):c.3943C>T (p.Arg1315Ter)

Gene: RERE (arginine-glutamic acid dipeptide repeats; minus strand). Cytogenetic location: 1p36.23.
Variant type: single nucleotide variant.
Coding change: c.3943C>T on transcript NM_001042681.2 (MANE Select); coding-DNA position 3943, C replaced by T.
Protein change: p.Arg1315Ter; replaces arginine 1315 with a stop codon.
Molecular consequence: nonsense.
Genome position (GRCh38, 1-based): chr1:8,358,592, G>A on the plus strand (C>T on the coding strand, the complement: RERE is on the minus strand). VCF-style: chr1-8358592-G-A. GRCh37 (hg19) VCF-style: chr1-8418652-G-A.
Other names: c.2281C>T, p.Arg761Ter (NM_001042682.2); c.3943C>T, p.Arg1315Ter (NM_012102.4); short protein forms R1315*, R761*.
Identifiers: ClinVar variation 3234606 (VCV003234606.20), dbSNP rs521047, ClinGen allele CA338169528.